The following is an entry in ClinVar:

NM_000092.5(COL4A4):c.1283dup (p.Pro428_Asp429insTer)

Gene: COL4A4 (collagen type IV alpha 4 chain; minus strand). Cytogenetic location: 2q36.3.
Variant type: Duplication.
Coding change: c.1283dup on transcript NM_000092.5 (MANE Select); coding-DNA position 1283, one base duplicated (C; older notation c.1283dupC).
Protein change: p.Pro428_Asp429insTer.
Molecular consequence: frameshift variant.
Genome position (GRCh38, 1-based): chr2:227,094,211, G duplicated on the plus strand (C on the coding strand, the reverse complement: COL4A4 is on the minus strand); the first of 2 consecutive G bases (chr2:227,094,211-227,094,212); duplicating either gives the same sequence. VCF-style (leftmost placement, unchanged base first): chr2-227094210-A-AG. GRCh37 (hg19) VCF-style: chr2-227958926-A-AG.
Identifiers: ClinVar variation 3663967 (VCV003663967.3).

ClinVar aggregate classification (germline): Pathogenic/Likely pathogenic. Review status: criteria provided, multiple submitters, no conflicts (2 of 4 stars). 2 submissions from 2 submitters: Pathogenic (1); Likely pathogenic (1). Last evaluated 2024-11-19.

Conditions:
COL4A4-related disorder.

Submissions (2):

Labcorp Genetics (formerly Invitae), Labcorp
Classification: Pathogenic. Last evaluated: 2024-11-19. Review status: criteria provided, single submitter. Criteria: Invitae Variant Classification Sherloc (09022015). Collection method: clinical testing. Allele origin: germline.
Comment: This sequence change creates a premature translational stop signal (p.Asp429*) in the COL4A4 gene. It is expected to result in an absent or disrupted protein product. Loss-of-function variants in COL4A4 are known to be pathogenic (PMID: 21196518, 24854265, 25307543). This variant is not present in population databases (gnomAD no frequency). This variant has not been reported in the literature in individuals affected with COL4A4-related conditions. For these reasons, this variant has been classified as Pathogenic.

Blueprint Genetics
Classification: Likely pathogenic for COL4A4-related disorders. Last evaluated: 2022-02-25. Review status: criteria provided, single submitter. Criteria: ACMG Guidelines, 2015. Collection method: clinical testing. Allele origin: germline. Affected: yes. Observed: 1 variant allele.

Literature cited by the submitters: PubMed 21196518 (cited by Labcorp Genetics (formerly Invitae), Labcorp); PubMed 24854265 (cited by Labcorp Genetics (formerly Invitae), Labcorp); PubMed 25307543 (cited by Labcorp Genetics (formerly Invitae), Labcorp).